The following continues an entry in ClinVar:

NR_003051.4(RMRP):n.72A>G

ClinVar aggregate classification (germline): Pathogenic. Pathogenic (1).

Submissions 9 to 23 of 23:

3billion
Classification: Likely pathogenic for Metaphyseal chondrodysplasia, McKusick type. Last evaluated: 2024-09-24. Review status: criteria provided, single submitter. Criteria: ACMG Guidelines, 2015. Collection method: clinical testing. Allele origin: germline. Affected: yes. Not counted in ClinVar's aggregate classification.
Comment: The variant is observed at an extremely low frequency in the gnomAD v4.0.0 dataset (total allele frequency: 0.117%). Predicted Consequence/Location: noncoding transcript variant The variant has been reported at least twice as pathogenic with clinical assertions and evidence for the classification (ClinVar ID: VCV000014208 /PMID: 11207361). Therefore, this variant is classified as Likely pathogenic according to the recommendation of ACMG/AMP guideline.

Revvity Omics, Revvity
Classification: Pathogenic. Last evaluated: 2023-12-18. Review status: criteria provided, single submitter. Criteria: ACMG Guidelines, 2015. Collection method: clinical testing. Allele origin: germline. Not counted in ClinVar's aggregate classification.

New York Genome Center
Classification: Pathogenic for Anauxetic dysplasia 1; Metaphyseal dysplasia without hypotrichosis; Metaphyseal chondrodysplasia, McKusick type. Last evaluated: 2023-07-17. Review status: criteria provided, single submitter. Criteria: NYGC Assertion Criteria 2020. Collection method: clinical testing. Allele origin: inherited. Affected: yes. Observed: 1 variant allele, 1 homozygote. Not counted in ClinVar's aggregate classification.
Comment: The n.71A>G (noncoding transcript variant; legacy name 70A>G) is a common founder variant and has previously been reported in homozygous and compound heterozygous state in individuals with Cartilage-Hair Hypoplasia [PMID: 11940090, 11207361, 12107819, 12888988, 16838329, 17701897, 19150606,22420014, 27740950, 26830278, 23643676, 32506568]. This variant has been deposited in ClinVar [ClinVar ID: 14208] as Pathogenic/likely pathogenic and has been observed in 518 alleles (0.103% minor allele frequency with 1 homozygotes) in population databases (gnomAD v2.1.1 and v3.1.2, TOPMed Freeze 8, All of Us). In vitro functional studies demonstrated severe impairment of cyclin B2 mRNA cleavage and abnormal ribosomal processing in fibroblast cells carrying n.71A>G variant [PMID: 16838329, 17701897, 35115551]. Based on available evidence this n.71A>G variant in RMRP is classified as Pathogenic.

Victorian Clinical Genetics Services, Murdoch Childrens Research Institute
Classification: Pathogenic for Metaphyseal chondrodysplasia, McKusick type. Last evaluated: 2023-07-17. Review status: criteria provided, single submitter. Criteria: ACMG Guidelines, 2015. Collection method: clinical testing. Allele origin: germline. Inheritance: Autosomal recessive inheritance. Affected: yes. Not counted in ClinVar's aggregate classification.
Comment: Based on the classification scheme VCGS_Germline_v1.3.4, this variant is classified as Pathogenic. Following criteria are met: 0102 - Loss of function is a known mechanism of disease in this gene and is associated with cartilage-hair hypoplasia (MIM# 250250). (I) 0106 - This gene is associated with autosomal recessive disease. (I) 0115 - Variants in this gene are known to have variable expressivity. Significant, even intrafamilial phenotypic heterogeneity has been reported (PMID: 18804272, 8444246). (I) 0217 - Non-coding variant with known effect. Site directed mutagenesis and transfection to human fibroblasts showed that this variant impaired mildly the endonucleolytic cleavage activity of ITS-1-5.8S rRNA junction site but caused significant decrease of cyclin B2 mRNA cleavage activity (PMID: 17701897). (SP) 0252 - This variant is homozygous. (I) 0304 - Variant is present in gnomAD <0.01 for a recessive condition (v2 & v3: 350 heterozygotes, 0 homozygotes). (SP) 0801 - This variant has strong previous evidence of pathogenicity in unrelated individuals. It is the most common variant in Amish and Finnish patients with cartilage-hair hypoplasia and has been reported as pathogenic in homozygous and compound heterozygous individuals (ClinVar, PMID: 12107819). (I) Legend: (SP) - Supporting pathogenic, (I) - Information, (SB) - Supporting benign

Institute of Human Genetics, University of Leipzig Medical Center
Classification: Likely pathogenic for Metaphyseal chondrodysplasia, McKusick type. Last evaluated: 2023-04-14. Review status: criteria provided, single submitter. Criteria: ACMG Guidelines, 2015. Collection method: clinical testing. Allele origin: unknown. Affected: yes. Not counted in ClinVar's aggregate classification.
Comment: This variant was identified as compound heterozygous with NR_003051.3:n.119A>G._x000D_ Criteria applied: PS3, PM3_STR

Institute for Clinical Genetics, University Hospital TU Dresden, University Hospital TU Dresden
Classification: Pathogenic. Last evaluated: 2022-09-01. Review status: criteria provided, single submitter. Criteria: ACMG Guidelines, 2015. Collection method: clinical testing. Allele origin: germline. Not counted in ClinVar's aggregate classification.

Fulgent Genetics
Classification: Pathogenic for Metaphyseal chondrodysplasia, McKusick type; Metaphyseal dysplasia without hypotrichosis; Anauxetic dysplasia 1. Last evaluated: 2022-03-23. Review status: criteria provided, single submitter. Criteria: ACMG Guidelines, 2015. Collection method: clinical testing. Allele origin: unknown. Not counted in ClinVar's aggregate classification.

Undiagnosed Diseases Network, NIH
Classification: Pathogenic for Metaphyseal chondrodysplasia, McKusick type. Last evaluated: 2021-06-03. Review status: criteria provided, single submitter. Criteria: ACMG Guidelines, 2015. Collection method: clinical testing. Allele origin: maternal. Inheritance: Autosomal recessive inheritance. Affected: yes. Observed: 1 variant allele, 1 compound heterozygote. Study: Undiagnosed Diseases Network (NIH), UDN. Not counted in ClinVar's aggregate classification.

Myriad Genetics, Inc.
Classification: Pathogenic for Metaphyseal chondrodysplasia, McKusick type. Last evaluated: 2019-11-18. Review status: criteria provided, single submitter. Criteria: Myriad Women's Health Autosomal Recessive and X-Linked Classification Criteria (2019). Collection method: clinical testing. Allele origin: unknown. Not counted in ClinVar's aggregate classification.
Comment: NR_003051.3(RMRP):c.71A>G is classified as pathogenic in the context of cartilage-hair hypoplasia. Sources cited for classification include the following: PMID 16838329, 12107819 and 17701897. Classification of NR_003051.3(RMRP):c.71A>G is based on the following criteria: This is a well-established pathogenic variant in the literature that has been observed more frequently in patients with clinical diagnoses than in healthy populations. Please note: this variant was assessed in the context of healthy population screening.â€šÃ„Ã¶âˆšÃ‘âˆšÂ£

Women's Health and Genetics/Laboratory Corporation of America, LabCorp
Classification: Pathogenic for Metaphyseal chondrodysplasia, McKusick type. Last evaluated: 2019-10-18. Review status: criteria provided, single submitter. Criteria: LabCorp Variant Classification Summary - May 2015. Collection method: clinical testing. Allele origin: germline. Not counted in ClinVar's aggregate classification.
Comment: Variant summary: RMRP n.71A>G (noncoding transcript variant; legacy name 70A>G) is a comon pathogenic founder mutation. The variant allele was found at a frequency of 0.00087 in 130486 control chromosomes (gnomAD). This frequency does not exceed the expected maximal pathogenic allele frequency estimated for pathogenic variants in RMRP (0.0072). n.71A>G has been reported in the literature in multiple homozygous and compound heterozygous individuals affected with Cartilage-Hair Hypoplasia (CHH; e.g. Ridanpaa_2001). These data indicate that the variant is very likely to be associated with disease. n.71A>G has been reported to impair cleavage of both 5.8S rRNA and cyclin B2 mRNA in the literature (e.g. Hermanns_2005, Thiel_2007). Four other clinical diagnostic laboratories have submitted clinical-significance assessments for this variant to ClinVar (evaluation after 2014). All laboratories cited the variant as pathogenic. Based on the evidence outlined above, the variant was classified as pathogenic.

GeneDx
Classification: Pathogenic. Last evaluated: 2016-07-01. Review status: criteria provided, single submitter. Criteria: GeneDx Variant Classification (06012015). Collection method: clinical testing. Allele origin: germline. Affected: yes. Not counted in ClinVar's aggregate classification.
Comment: The RMRP gene is not translated and codes for the RNA component of a mitochondrial RNA processing endoribonuclease. The r.(71 a>g) variant has been published previously in association with cartilage-hair hypoplasia (CHH) (Ridanpaa et al., 2001; Kainulainen et al., 2014). The r.(71 a>g) variant is the most common pathogenic variant in the RMRP gene, and in the Finnish population the carrier frequency for this variant has been estimated to be as high as 1 in 76 (Sulisalo et al., 1994). This substitution occurs at a position that is conserved across species. Functional analysis of the r.(71 a>g) variant found that it is associated with reduced cleavage activity and abnormal ribosomal processing (Thiel et al., 2007; Hermanns et al., 2005). Therefore, we consider this variant to be pathogenic.

Reproductive Health Research and Development, BGI Genomics
Classification: Pathogenic for Metaphyseal dysplasia without hypotrichosis. Last evaluated: 2020-01-06. Review status: no assertion criteria provided. Collection method: curation. Allele origin: germline. Not counted in ClinVar's aggregate classification.
Comment: NR_003051.3:n.71A>G in the RMRP gene has an allele frequency of 0.009 in European (Finnish) subpopulation in the gnomAD database. This variant also known as 70A>G in literatures, has been reported in 4/22 Cartilage-Hair Hypoplasia patients in a homozygous state and also in in compound heterozygous constellation with the transversion 262C>G in two sibs and in an unrelated patient and a compound heterozygote of the 70A>G mutant allele and the ( 14_20dup) promoter duplication(PMID: 16838329). This sequence change occurs in the RMRP gene, which encodes the RNA component of the RNase mitochondrial RNA processing (MRP) complex and does not result in a protein product. Functional analysis of the r.(71 a>g) variant found that it is associated with reduced cleavage activity and abnormal ribosomal processing ( PMID: 17701897; 16838329). Taken together, we interprete this variant as Pathogenic/Likely pathogenic. ACMG/AMP Criteria applied: PM3_VeryStrong; PS3; PP4.

GeneReviews
Classification: Pathogenic for Cartilage-Hair Hypoplasia-Anauxetic Dysplasia Spectrum Disorders. Last evaluated: 2012-03-15. Review status: no assertion criteria provided. Collection method: curation. Allele origin: unknown. Not counted in ClinVar's aggregate classification.
ClinVar note: Converted during submission from pathologic to Pathogenic.

OMIM
Classification: Pathogenic for CARTILAGE-HAIR HYPOPLASIA. Last evaluated: 2006-10-01. Review status: no assertion criteria provided. Collection method: literature only. Allele origin: germline. Not counted in ClinVar's aggregate classification.

OMIM
Classification: Pathogenic for METAPHYSEAL DYSPLASIA WITHOUT HYPOTRICHOSIS. Last evaluated: 2006-10-01. Review status: no assertion criteria provided. Collection method: literature only. Allele origin: germline. Not counted in ClinVar's aggregate classification.

Literature cited by the submitters: PubMed 16097009 (cited by 3 submitters); PubMed 16838329 (cited by 6 submitters); PubMed 8034306 (cited by Labcorp Genetics (formerly Invitae), Labcorp); PubMed 12888988 (cited by 3 submitters); PubMed 10026268 (cited by Labcorp Genetics (formerly Invitae), Labcorp); PubMed 11207361 (cited by 5 submitters); PubMed 17701897 (cited by 5 submitters); PubMed 31413121 (cited by Clinical Biomedical Laboratory, Shriners Hospital For Children - Canada); PubMed 11940090 (cited by New York Genome Center and OMIM); PubMed 12107819 (cited by 3 submitters); PubMed 19150606 (cited by New York Genome Center); PubMed 22420014 (cited by New York Genome Center); PubMed 27740950 (cited by New York Genome Center); PubMed 26830278 (cited by New York Genome Center); PubMed 23643676 (cited by New York Genome Center); PubMed 32506568 (cited by New York Genome Center); PubMed 8444246 (cited by Victorian Clinical Genetics Services, Murdoch Childrens Research Institute); PubMed 18804272 (cited by Victorian Clinical Genetics Services, Murdoch Childrens Research Institute); PubMed 16254002 (cited by Women's Health and Genetics/Laboratory Corporation of America, LabCorp); PubMed 9156319 (cited by OMIM); PubMed 14569119 (cited by OMIM); PubMed 28094436 (cited by OMIM).